The following is an entry in ClinVar:

NM_001292063.2(OTOG):c.3740G>A (p.Ser1247Asn)

Gene: OTOG (otogelin; plus strand). Cytogenetic location: 11p15.1.
Variant type: single nucleotide variant.
Coding change: c.3740G>A on transcript NM_001292063.2 (MANE Select); coding-DNA position 3740, G replaced by A.
Protein change: p.Ser1247Asn; replaces serine 1247 with asparagine.
Molecular consequence: missense variant.
Genome position (GRCh38, 1-based): chr11:17,602,240, G>A. VCF-style: chr11-17602240-G-A. GRCh37 (hg19) VCF-style: chr11-17623787-G-A.
Other names: c.3776G>A, p.Ser1259Asn (NM_001277269.2); short protein forms S1259N, S1247N.
Identifiers: ClinVar variation 806627 (VCV000806627.45), dbSNP rs955374063, ClinGen allele CA218465434.

ClinVar aggregate classification (germline): Uncertain significance. Review status: criteria provided, multiple submitters, no conflicts (2 of 4 stars). 2 submissions from 2 submitters: Uncertain significance (2). Last evaluated 2021-04-12.

Conditions:
Hearing impairment. Also called: Impaired Hearing. Identifiers: MedGen C1384666, MONDO:0005365, HP:0000365.

Allele frequency attached by ClinVar (database versions not stated): gnomAD 0.00004; TOPMed 0.00004; gnomAD exomes 0.00005; 1000 Genomes Project 30x 0.00031.
gnomAD v4.1: 61 of 1,550,560 alleles (0.0039%); highest among the groups gnomAD compares: Middle Eastern, 0.017%; no homozygotes.

Submissions (2):

Department of Otolaryngology – Head & Neck Surgery, Cochlear Implant Center
Classification: Uncertain significance for Hearing impairment. Last evaluated: 2021-04-12. Review status: criteria provided, single submitter. Criteria: ClinGen HL ACMG Specifications v1. Collection method: clinical testing. Allele origin: germline. Affected: yes.
Comment: PM2_Moderate, BP4_Supporting

CeGaT Center for Human Genetics Tuebingen
Classification: Uncertain significance. Last evaluated: 2017-10-01. Review status: criteria provided, single submitter. Criteria: CeGaT Center For Human Genetics Tuebingen Variant Classification Criteria Version 2. Collection method: clinical testing. Allele origin: germline. Affected: yes. Observed: 1 variant allele.